The following is an entry in ClinVar:

NM_000179.3(MSH6):c.1279T>A (p.Tyr427Asn)

Gene: MSH6 (mutS homolog 6; plus strand). Cytogenetic location: 2p16.3.
Variant type: single nucleotide variant.
Coding change: c.1279T>A on transcript NM_000179.3 (MANE Select); coding-DNA position 1279, T replaced by A.
Protein change: p.Tyr427Asn; replaces tyrosine 427 with asparagine.
Molecular consequence: missense variant. On other transcripts: non-coding transcript variant (4), intron variant (1).
Genome position (GRCh38, 1-based): chr2:47,799,262, T>A. VCF-style: chr2-47799262-T-A. GRCh37 (hg19) VCF-style: chr2-48026401-T-A.
Other names: c.889T>A, p.Tyr297Asn (NM_001281492.2); c.373T>A, p.Tyr125Asn (NM_001281493.2, NM_001281494.2, NM_001406811.1 and 6 more transcripts); c.1375T>A, p.Tyr459Asn (NM_001406795.1, NM_001406802.1); c.1279T>A, p.Tyr427Asn (NM_001406796.1, NM_001406798.1, NM_001406809.1 and 4 more transcripts); c.982T>A, p.Tyr328Asn (NM_001406797.1, NM_001406818.1, NM_001406830.1 and 10 more transcripts); c.1285T>A, p.Tyr429Asn (NM_001406813.1); c.628-1404T>A (NM_001407362.1); c.754T>A, p.Tyr252Asn (NM_001406799.1, NM_001406806.1, NM_001406807.1); and 2 more; short protein forms Y371N, Y427N, Y429N, Y252N, Y401N, Y125N, Y297N, Y328N.
Identifiers: ClinVar variation 3633926 (VCV003633926.2).
Genomic context (GRCh38, chr2:47,799,262, plus strand): 5'-ACTCCTGGGATGAGGAAGTGGTGGCAGATTAAGTCTCAGAACTTTGATCTTGTCATCTGT[T>A]ACAAGGTGGGGAAATTTTATGAGCTGTACCACATGGATGCTCTTATTGGAGTCAGTGAAC-3'
Protein context (NP_000170.1, residues 417-437): KSQNFDLVIC[Tyr427Asn]KVGKFYELYH

ClinVar aggregate classification (germline): Uncertain significance (1 of 4 stars; one submission).

Conditions:
Hereditary nonpolyposis colorectal neoplasms. Identifiers: MedGen C0009405, MeSH D003123.

Submission:

Labcorp Genetics (formerly Invitae), Labcorp
Classification: Uncertain significance for Hereditary nonpolyposis colorectal neoplasms. Last evaluated: 2024-03-16. Review status: criteria provided, single submitter. Criteria: Invitae Variant Classification Sherloc (09022015). Collection method: clinical testing. Allele origin: germline.
Comment: This sequence change replaces tyrosine, which is neutral and polar, with asparagine, which is neutral and polar, at codon 427 of the MSH6 protein (p.Tyr427Asn). This variant is not present in population databases (gnomAD no frequency). This variant has not been reported in the literature in individuals affected with MSH6-related conditions. Advanced modeling of protein sequence and biophysical properties (such as structural, functional, and spatial information, amino acid conservation, physicochemical variation, residue mobility, and thermodynamic stability) has been performed at Invitae for this missense variant, however the output from this modeling did not meet the statistical confidence thresholds required to predict the impact of this variant on MSH6 protein function. In summary, the available evidence is currently insufficient to determine the role of this variant in disease. Therefore, it has been classified as a Variant of Uncertain Significance.